The following is an entry in ClinVar:

ClinVar aggregate classification (germline): Pathogenic (1 of 4 stars; one submission).

Submissions (2):

Labcorp Genetics (formerly Invitae), Labcorp
Classification: Pathogenic. Last evaluated: 2021-02-03. Review status: criteria provided, single submitter. Criteria: Invitae Variant Classification Sherloc (09022015). Collection method: clinical testing. Allele origin: germline.
Comment: For these reasons, this variant has been classified as Pathogenic. This variant has been observed in individual(s) with clinical features of porphyria (Invitae). This variant is not present in population databases (ExAC no frequency). This sequence change creates a premature translational stop signal (p.Leu115Tyrfs*17) in the PPOX gene. It is expected to result in an absent or disrupted protein product. Loss-of-function variants in PPOX are known to be pathogenic (PMID: 10486317).

Dr. Peter K. Rogan Lab, Western University
No classification provided (evidence only). Condition: Hepatocellular carcinoma. Review status: no classification provided. Collection method: in vitro. Allele origin: not applicable. Functional consequence: skipped exon. Not counted in ClinVar's aggregate classification.

Literature cited by the submitters: PubMed 10486317 (cited by Labcorp Genetics (formerly Invitae), Labcorp).

NM_001122764.3(PPOX):c.342del

Gene: PPOX (protoporphyrinogen oxidase; plus strand). Cytogenetic location: 1q23.3.
Variant type: Deletion.
Coding change: c.342del on transcript NM_001122764.3 (MANE Select); coding-DNA position 342, one base deleted (G; older notation c.342delG).
Molecular consequence: splice acceptor variant. On other transcripts: intron variant (2).
Genome position (GRCh38, 1-based): chr1:161,167,998, G deleted; the last of 5 consecutive G bases (chr1:161,167,994-161,167,998); deleting any one gives the same sequence. VCF-style (leftmost placement, unchanged base first): chr1-161167993-AG-A. GRCh37 (hg19) VCF-style: chr1-161137783-AG-A.
Other names: NC_000001.10:g.161137788del; c.354-415del (NM_001350128.2); c.-34-415del (NM_001350131.2).
Identifiers: ClinVar variation 1453380 (VCV001453380.11), dbSNP rs2101862742, ClinGen allele CA2573130570.
Genomic context (GRCh38, chr1:161,167,993, plus strand): 5'-AGCGCCTGGAGCTGGGGAGGTATGTCAGGAGCTTCCCCCTCACTATGCCTTTCTCCATGC[AG>A]GGGGCTACTCCGCCCTTCACCCCCCTTCTCCAAACCTCTGTTTTGGGCTGGGCTGAGGGA-3'